The following is an entry in ClinVar:

NM_182914.3(SYNE2):c.4826A>C (p.Lys1609Thr)

Gene: SYNE2 (spectrin repeat containing nuclear envelope protein 2; plus strand). Cytogenetic location: 14q23.2.
Variant type: single nucleotide variant.
Coding change: c.4826A>C on transcript NM_182914.3 (MANE Select); coding-DNA position 4826, A replaced by C.
Protein change: p.Lys1609Thr; replaces lysine 1609 with threonine.
Molecular consequence: missense variant.
Genome position (GRCh38, 1-based): chr14:64,016,570, A>C. VCF-style: chr14-64016570-A-C. GRCh37 (hg19) VCF-style: chr14-64483288-A-C.
Other names: c.4826A>C, p.Lys1609Thr (NM_015180.6); short protein forms K1609T.
Identifiers: ClinVar variation 1927904 (VCV001927904.5), dbSNP rs2551074166, ClinGen allele CA389937335.

ClinVar aggregate classification (germline): Uncertain significance (1 of 4 stars; one submission).

Conditions:
Emery-Dreifuss muscular dystrophy 5, autosomal dominant (EDMD5). Also called: EMERY-DREIFUSS MUSCULAR DYSTROPHY 5. Identifiers: Orphanet 261, MedGen C2751805, MONDO:0013072, OMIM 612999.

Allele frequency attached by ClinVar (database versions not stated): gnomAD exomes below 0.00001.
gnomAD v4.1: 1 of 1,603,744 alleles (0.000062%); highest among the groups gnomAD compares: Admixed American, 0.0017%; no homozygotes.

Submission:

Labcorp Genetics (formerly Invitae), Labcorp
Classification: Uncertain significance for Emery-Dreifuss muscular dystrophy 5, autosomal dominant. Last evaluated: 2022-10-07. Review status: criteria provided, single submitter. Criteria: Invitae Variant Classification Sherloc (09022015). Collection method: clinical testing. Allele origin: germline.
Comment: In summary, the available evidence is currently insufficient to determine the role of this variant in disease. Therefore, it has been classified as a Variant of Uncertain Significance. Algorithms developed to predict the effect of missense changes on protein structure and function are either unavailable or do not agree on the potential impact of this missense change (SIFT: "Tolerated"; PolyPhen-2: "Possibly Damaging"; Align-GVGD: "Class C0"). This variant has not been reported in the literature in individuals affected with SYNE2-related conditions. This variant is not present in population databases (gnomAD no frequency). This sequence change replaces lysine, which is basic and polar, with threonine, which is neutral and polar, at codon 1609 of the SYNE2 protein (p.Lys1609Thr).